The following is an entry in ClinVar:

NM_006158.5(NEFL):c.986T>C (p.Leu329Pro)

Gene: NEFL (neurofilament light chain; minus strand). Cytogenetic location: 8p21.2.
Variant type: single nucleotide variant.
Coding change: c.986T>C on transcript NM_006158.5 (MANE Select); coding-DNA position 986, T replaced by C.
Protein change: p.Leu329Pro; replaces leucine 329 with proline.
Molecular consequence: missense variant.
Genome position (GRCh38, 1-based): chr8:24,955,530, A>G on the plus strand (T>C on the coding strand, the complement: NEFL is on the minus strand). VCF-style: chr8-24955530-A-G. GRCh37 (hg19) VCF-style: chr8-24813044-A-G.
Other names: short protein forms L329P.
Identifiers: ClinVar variation 234913 (VCV000234913.48), dbSNP rs876661290, ClinGen allele CA10577361.

ClinVar aggregate classification (germline): Conflicting classifications of pathogenicity. Review status: criteria provided, conflicting classifications (1 of 4 stars). 4 submissions from 4 submitters: Likely pathogenic (1); Uncertain significance (3). Last evaluated 2023-05-08.

Conditions:
Charcot-Marie-Tooth disease, dominant intermediate G. Identifiers: MedGen C4693509, MONDO:0036484, OMIM 617882.
Charcot-Marie-Tooth disease type 2E (CMT2E). Also called: CHARCOT-MARIE-TOOTH DISEASE, AXONAL, TYPE 2E; CHARCOT-MARIE-TOOTH NEUROPATHY, TYPE 2E. Identifiers: Orphanet 99939, MedGen C1843225, MONDO:0011894, OMIM 607684.
Charcot-Marie-Tooth disease type 1F. Also called: Charcot-Marie-Tooth disease, demyelinating, type 1f; CHARCOT-MARIE-TOOTH NEUROPATHY, TYPE 1F. Identifiers: Orphanet 101085, MedGen C1843164, MONDO:0011902, OMIM 607734.

Submissions (4):

Labcorp Genetics (formerly Invitae), Labcorp
Classification: Likely pathogenic for Charcot-Marie-Tooth disease type 2E. Last evaluated: 2023-05-08. Review status: criteria provided, single submitter. Criteria: Invitae Variant Classification Sherloc (09022015). Collection method: clinical testing. Allele origin: germline.
Comment: This variant is not present in population databases (gnomAD no frequency). This sequence change replaces leucine, which is neutral and non-polar, with proline, which is neutral and non-polar, at codon 329 of the NEFL protein (p.Leu329Pro). This missense change has been observed in individuals with clinical features of autosomal dominant Charcot-Marie-Tooth disease (Invitae). It has also been observed to segregate with disease in related individuals. In summary, the currently available evidence indicates that the variant is pathogenic, but additional data are needed to prove that conclusively. Therefore, this variant has been classified as Likely Pathogenic. Advanced modeling of protein sequence and biophysical properties (such as structural, functional, and spatial information, amino acid conservation, physicochemical variation, residue mobility, and thermodynamic stability) performed at Invitae indicates that this missense variant is expected to disrupt NEFL protein function. ClinVar contains an entry for this variant (Variation ID: 234913).

Fulgent Genetics
Classification: Uncertain significance for Charcot-Marie-Tooth disease type 2E; Charcot-Marie-Tooth disease type 1F; Charcot-Marie-Tooth disease, dominant intermediate G. Last evaluated: 2018-10-31. Review status: criteria provided, single submitter. Criteria: ACMG Guidelines, 2015. Collection method: clinical testing. Allele origin: unknown.

GeneDx
Classification: Uncertain significance. Last evaluated: 2018-10-22. Review status: criteria provided, single submitter. Criteria: GeneDx Variant Classification (06012015). Collection method: clinical testing. Allele origin: germline. Affected: yes.
Comment: A variant of uncertain significance has been identified in the NEFL gene. The L329P variant has not been published as a pathogenic variant, nor has it been reported as a benign variant to our knowledge. It was not observed in approximately 6,300 individuals of European and African American ancestry in the NHLBI Exome Sequencing Project, indicating it is not a common benign variant in these populations. This substitution occurs at a position that is conserved across species. The L329P variant is a semi-conservative amino acid substitution, which may impact secondary protein structure as these residues differ in some properties. However, in silico analysis is inconsistent in its predictions as to whether or not the variant is damaging to the protein structure/function. Therefore, based on the currently available information, it is unclear whether this variant is a pathogenic variant or a rare benign variant.

CeGaT Center for Human Genetics Tuebingen
Classification: Uncertain significance. Last evaluated: 2018-06-01. Review status: criteria provided, single submitter. Criteria: CeGaT Center For Human Genetics Tuebingen Variant Classification Criteria Version 2. Collection method: clinical testing. Allele origin: germline. Affected: yes. Observed: 1 variant allele.